The following is an entry in ClinVar:

NM_133477.3(SYNPO2):c.592G>C (p.Glu198Gln)

Gene: SYNPO2 (synaptopodin 2; plus strand). Cytogenetic location: 4q26.
Variant type: single nucleotide variant.
Coding change: c.592G>C on transcript NM_133477.3 (MANE Select); coding-DNA position 592, G replaced by C.
Protein change: p.Glu198Gln; replaces glutamic acid 198 with glutamine.
Molecular consequence: missense variant. On other transcripts: intron variant (1).
Genome position (GRCh38, 1-based): chr4:119,026,961, G>C. VCF-style: chr4-119026961-G-C. GRCh37 (hg19) VCF-style: chr4-119948116-G-C.
Other names: c.592G>C, p.Glu198Gln (NM_001128933.3, NM_001128934.3); c.499G>C, p.Glu167Gln (NM_001286754.2); c.257+3380G>C (NM_001286755.2); short protein forms E167Q, E198Q.
Identifiers: ClinVar variation 2550461 (VCV002550461.26), dbSNP rs1737981454, ClinGen allele CA358017587.

ClinVar aggregate classification (germline): Uncertain significance. Review status: criteria provided, multiple submitters, no conflicts (2 of 4 stars). 2 submissions from 2 submitters: Uncertain significance (2). Last evaluated 2023-05-23.

gnomAD v4.1: 2 of 1,614,186 alleles (0.00012%); highest among the groups gnomAD compares: Non-Finnish European, 0.00017%; no homozygotes.

Submissions (2):

Ambry Genetics
Classification: Uncertain significance. Last evaluated: 2023-05-23. Review status: criteria provided, single submitter. Criteria: Ambry Variant Classification Scheme 2023. Collection method: clinical testing. Allele origin: germline.

CeGaT Center for Human Genetics Tuebingen
Classification: Uncertain significance. Last evaluated: 2022-03-01. Review status: criteria provided, single submitter. Criteria: CeGaT Center For Human Genetics Tuebingen Variant Classification Criteria Version 2. Collection method: clinical testing. Allele origin: germline. Affected: yes. Observed: 1 variant allele.
Comment: SYNPO2: PM2, BP4